The following is an entry in ClinVar:

ClinVar aggregate classification (germline): Likely pathogenic (1 of 4 stars; one submission).

Submission:

GeneDx
Classification: Likely pathogenic. Last evaluated: 2025-05-05. Review status: criteria provided, single submitter. Criteria: GeneDx Variant Classification Process June 2021. Collection method: clinical testing. Allele origin: germline. Affected: yes.
Comment: Non-canonical splice site variant demonstrated to result in loss of function (PMID: 37186028); No data available from control populations to assess the frequency of this variant; This variant is associated with the following publications: (PMID: 37186028)

NM_001042492.3(NF1):c.5813-281T>G

Gene: NF1 (neurofibromin 1; plus strand). Cytogenetic location: 17q11.2.
Variant type: single nucleotide variant.
Coding change: c.5813-281T>G on transcript NM_001042492.3 (MANE Select); 281 bases into the intron before coding-DNA position 5813, T replaced by G.
Molecular consequence: intron variant.
Genome position (GRCh38, 1-based): chr17:31,334,557, T>G. VCF-style: chr17-31334557-T-G. GRCh37 (hg19) VCF-style: chr17-29661575-T-G.
Other names: c.5750-281T>G (NM_000267.4).
Identifiers: ClinVar variation 4528302 (VCV004528302.1).